The following is an entry in ClinVar:

ClinVar aggregate classification (germline): Uncertain significance (1 of 4 stars; one submission).

Submission:

GeneDx
Classification: Uncertain significance. Last evaluated: 2024-11-09. Review status: criteria provided, single submitter. Criteria: GeneDx Variant Classification Process June 2021. Collection method: clinical testing. Allele origin: germline. Affected: yes.
Comment: Not observed at significant frequency in large population cohorts (gnomAD); In silico analysis supports that this missense variant has a deleterious effect on protein structure/function; Has not been previously published as pathogenic or benign to our knowledge

NM_015335.5(MED13L):c.4397G>T (p.Arg1466Leu)

Gene: MED13L (mediator complex subunit 13L; minus strand). Cytogenetic location: 12q24.21.
Variant type: single nucleotide variant.
Coding change: c.4397G>T on transcript NM_015335.5 (MANE Select); coding-DNA position 4397, G replaced by T.
Protein change: p.Arg1466Leu; replaces arginine 1466 with leucine.
Molecular consequence: missense variant.
Genome position (GRCh38, 1-based): chr12:115,984,314, C>A on the plus strand (G>T on the coding strand, the complement: MED13L is on the minus strand). VCF-style: chr12-115984314-C-A. GRCh37 (hg19) VCF-style: chr12-116422119-C-A.
Other names: short protein forms R1466L.
Identifiers: ClinVar variation 3898762 (VCV003898762.1).
Genomic context (GRCh38, chr12:115,984,314, plus strand): 5'-TGGTTAAACCACTCACTCACAAGCTCATCTGTCAGCTTCTGTGCCACAGTTTTTCCCACG[C>A]GCATGATCCCGTCACGTAGCACTTTGCAGATGGGCTTGTGCTGCCCAAGCCTACACATCT-3'
Protein context (NP_056150.1, residues 1456-1476): ICKVLRDGIM[Arg1466Leu]VGKTVAQKLT